The following is an entry in ClinVar:

ClinVar aggregate classification (germline): Likely pathogenic (1 of 4 stars; one submission).

Conditions:
GROWTH HORMONE DEFICIENCY WITH PITUITARY ANOMALIES. Identifiers: MedGen C2750027, OMIM 182230.
Septo-optic dysplasia sequence (SOD). Also called: DE MORSIER SYNDROME; Septo-optic dysplasia. Identifiers: Orphanet 3157, MedGen C0338503, MONDO:0008428, OMIM 182230, HP:0100842.

Submission:

Labcorp Genetics (formerly Invitae), Labcorp
Classification: Likely pathogenic for GROWTH HORMONE DEFICIENCY WITH PITUITARY ANOMALIES; Septo-optic dysplasia sequence. Last evaluated: 2017-08-23. Review status: criteria provided, single submitter. Criteria: Invitae Variant Classification Sherloc (09022015). Collection method: clinical testing. Allele origin: germline.
Comment: This variant is not present in population databases (ExAC no frequency). In summary, the currently available evidence indicates that the variant is pathogenic, but additional data are needed to prove that conclusively. Therefore, this variant has been classified as Likely Pathogenic. Donor and acceptor splice site variants typically lead to a loss of protein function (PMID: 16199547), and loss-of-function variants in HESX1 are known to be pathogenic (PMID: 9620767, 11748154, 19093031). Algorithms developed to predict the effect of sequence changes on RNA splicing suggest that this variant may disrupt the consensus splice site, but this prediction has not been confirmed by published transcriptional studies. This variant has not been reported in the literature in individuals with HESX1-related disease. This sequence change affects an acceptor splice site in intron 1 of the HESX1 gene. It is expected to disrupt RNA splicing and likely results in an absent or disrupted protein product.

Literature cited by the submitters: PubMed 16199547; PubMed 9620767; PubMed 11748154; PubMed 19093031.

NM_003865.3(HESX1):c.158-1G>C

Gene: HESX1 (HESX homeobox 1; minus strand). Cytogenetic location: 3p14.3.
Variant type: single nucleotide variant.
Coding change: c.158-1G>C on transcript NM_003865.3 (MANE Select); the canonical splice acceptor site of the intron before coding-DNA position 158, G replaced by C.
Molecular consequence: splice acceptor variant.
Genome position (GRCh38, 1-based): chr3:57,198,953, C>G on the plus strand (G>C on the coding strand, the complement: HESX1 is on the minus strand). VCF-style: chr3-57198953-C-G. GRCh37 (hg19) VCF-style: chr3-57232981-C-G.
Other names: c.158-1G>C (NM_001376059.1, NM_001376058.1, NM_001376060.1 and 1 more transcripts).
Identifiers: ClinVar variation 537760 (VCV000537760.6), dbSNP rs1238248024, ClinGen allele CA353401678.